The following is an entry in ClinVar:

ClinVar aggregate classification (germline): Uncertain significance (1 of 4 stars; one submission).

Submission:

Ambry Genetics
Classification: Uncertain significance. Last evaluated: 2022-02-12. Review status: criteria provided, single submitter. Criteria: Ambry Variant Classification Scheme 2023. Collection method: clinical testing. Allele origin: germline.
Comment: The p.R409G variant (also known as c.1225A>G), located in coding exon 13 of the NPAT gene, results from an A to G substitution at nucleotide position 1225. The arginine at codon 409 is replaced by glycine, an amino acid with dissimilar properties. This amino acid position is conserved. In addition, this alteration is predicted to be tolerated by in silico analysis. Since supporting evidence is limited at this time, the clinical significance of this alteration remains unclear.

NM_002519.3(NPAT):c.1225A>G (p.Arg409Gly)

Gene: NPAT (nuclear protein, coactivator of histone transcription; minus strand). Cytogenetic location: 11q22.3.
Variant type: single nucleotide variant.
Coding change: c.1225A>G on transcript NM_002519.3 (MANE Select); coding-DNA position 1225, A replaced by G.
Protein change: p.Arg409Gly; replaces arginine 409 with glycine.
Molecular consequence: missense variant.
Genome position (GRCh38, 1-based): chr11:108,173,759, T>C on the plus strand (A>G on the coding strand, the complement: NPAT is on the minus strand). VCF-style: chr11-108173759-T-C. GRCh37 (hg19) VCF-style: chr11-108044486-T-C.
Other names: c.1225A>G, p.Arg409Gly (NM_001321307.1); short protein forms R409G.
Identifiers: ClinVar variation 1754072 (VCV001754072.2), dbSNP rs2496722111, ClinGen allele CA382515958.
Genomic context (GRCh38, chr11:108,173,759, plus strand): 5'-TAAAGGCCTTTTTCTGTATGCTGGTACTTATTTGGGAAAAATTTTCCTGGTCTTCTTGTC[T>C]AAGCACATCATGGTTGTTGCTATTCTTCAAAGCATTTAATGGGTCATCATTCTGATAGGA-3'
Protein context (NP_002510.2, residues 399-419): LKNSNNHDVL[Arg409Gly]QEDQENFSQI